The following is an entry in ClinVar:

NM_152564.5(VPS13B):c.11734T>C (p.Cys3912Arg)

Gene: VPS13B (vacuolar protein sorting 13 homolog B; plus strand). Cytogenetic location: 8q22.2.
Variant type: single nucleotide variant.
Coding change: c.11734T>C on transcript NM_152564.5 (MANE Select); coding-DNA position 11734, T replaced by C.
Protein change: p.Cys3912Arg; replaces cysteine 3912 with arginine.
Molecular consequence: missense variant.
Genome position (GRCh38, 1-based): chr8:99,871,686, T>C. VCF-style: chr8-99871686-T-C. GRCh37 (hg19) VCF-style: chr8-100883914-T-C.
Other names: c.11809T>C, p.Cys3937Arg (NM_017890.5); short protein forms C3937R, C3912R.
Identifiers: ClinVar variation 4992912 (VCV004992912.1).
Genomic context (GRCh38, chr8:99,871,686, plus strand): 5'-GCACAGGACAGCAAGCAGAACAACTTACTCACAGTGCAGCTCAAGCAGCCAAGAGTGGCC[T>C]GTGATGTGGAGGTACGTTTCAGAAAACAGGGCAACCAAGACTAGCTGGCCAGGGAGGTTG-3'
Protein context (NP_689777.3, residues 3902-3922): TVQLKQPRVA[Cys3912Arg]DVEVDGVRER

ClinVar aggregate classification (germline): Uncertain significance (1 of 4 stars; one submission).

Conditions:
VPS13B-related disorder. Also called: VPS13B-related condition.

Submission:

PreventionGenetics, part of Exact Sciences
Classification: Uncertain significance for VPS13B-related condition. Last evaluated: 2026-07-02. Review status: criteria provided, single submitter. Criteria: ACMG Guidelines, 2015. Collection method: clinical testing. Allele origin: germline.
Comment: The VPS13B c.11734T>C variant is predicted to result in the amino acid substitution p.Cys3912Arg. To our knowledge, this variant has not been reported in the literature or in a large population database (gnomAD), indicating this variant is rare. At this time, the clinical significance of this variant is uncertain due to the absence of conclusive functional and genetic evidence.